The following is an entry in ClinVar:

NM_005751.5(AKAP9):c.6976G>A (p.Asp2326Asn)

Gene: AKAP9 (A-kinase anchoring protein 9; plus strand). Cytogenetic location: 7q21.2.
Variant type: single nucleotide variant.
Coding change: c.6976G>A on transcript NM_005751.5 (MANE Select); coding-DNA position 6976, G replaced by A.
Protein change: p.Asp2326Asn; replaces aspartic acid 2326 with asparagine.
Molecular consequence: missense variant.
Genome position (GRCh38, 1-based): chr7:92,079,109, G>A. VCF-style: chr7-92079109-G-A. GRCh37 (hg19) VCF-style: chr7-91708423-G-A.
Other names: c.1621G>A, p.Asp541Asn (NM_001379277.1); c.6952G>A, p.Asp2318Asn (NM_147185.3); short protein forms D2318N, D541N, D2326N.
Identifiers: ClinVar variation 968160 (VCV000968160.9), dbSNP rs1473941536, ClinGen allele CA368134680.
Genomic context (GRCh38, chr7:92,079,109, plus strand): 5'-ATGTATGTTACCTTTTTCATTAATTATTAGGTTATTGAAGAAAAAAATGAACTGATAAGG[G>A]ATCTTGAAACCCAAATAGAATGTTTGATGAGTGATCAAGAATGTGTGAAGAGAAATAGAG-3'
Protein context (NP_005742.4, residues 2316-2336): VIEEKNELIR[Asp2326Asn]LETQIECLMS

ClinVar aggregate classification (germline): Uncertain significance (1 of 4 stars; one submission).

Conditions:
Long QT syndrome (LQTS). Identifiers: MedGen C0023976, MeSH D008133, MONDO:0002442. Disease mechanism: loss of function. Inheritance: Various modes of inheritance.

Allele frequency attached by ClinVar (database versions not stated): gnomAD exomes below 0.00001.
gnomAD v4.1: 1 of 1,611,808 alleles (0.000062%); highest among the groups gnomAD compares: Admixed American, 0.0017%; no homozygotes.

Submission:

Labcorp Genetics (formerly Invitae), Labcorp
Classification: Uncertain significance for Long QT syndrome. Last evaluated: 2024-11-02. Review status: criteria provided, single submitter. Criteria: Invitae Variant Classification Sherloc (09022015). Collection method: clinical testing. Allele origin: germline.
Comment: This sequence change replaces aspartic acid, which is acidic and polar, with asparagine, which is neutral and polar, at codon 2326 of the AKAP9 protein (p.Asp2326Asn). This variant is present in population databases (no rsID available, gnomAD 0.003%). This variant has not been reported in the literature in individuals affected with AKAP9-related conditions. ClinVar contains an entry for this variant (Variation ID: 968160). An algorithm developed to predict the effect of missense changes on protein structure and function outputs the following: PolyPhen-2: "Benign". The asparagine amino acid residue is found in multiple mammalian species, which suggests that this missense change does not adversely affect protein function. In summary, the available evidence is currently insufficient to determine the role of this variant in disease. Therefore, it has been classified as a Variant of Uncertain Significance.